The following is an entry in ClinVar:

NM_000548.5(TSC2):c.3050A>G (p.Asn1017Ser)

Gene: TSC2 (TSC complex subunit 2; plus strand). Cytogenetic location: 16p13.3.
Variant type: single nucleotide variant.
Coding change: c.3050A>G on transcript NM_000548.5 (MANE Select); coding-DNA position 3050, A replaced by G.
Protein change: p.Asn1017Ser; replaces asparagine 1017 with serine.
Molecular consequence: missense variant.
Genome position (GRCh38, 1-based): chr16:2,079,115, A>G. VCF-style: chr16-2079115-A-G. GRCh37 (hg19) VCF-style: chr16-2129116-A-G.
Other names: c.2921A>G, p.Asn974Ser (NM_001363528.2, NM_001370405.1, NM_021055.3); c.2918A>G, p.Asn973Ser (NM_001370404.1, NM_001077183.3); c.3050A>G, p.Asn1017Ser (NM_001114382.3); c.2810A>G, p.Asn937Ser (NM_001318827.2); c.2774A>G, p.Asn925Ser (NM_001318829.2); c.2318A>G, p.Asn773Ser (NM_001318831.2); c.2951A>G, p.Asn984Ser (NM_001318832.2); short protein forms N1017S, N773S, N925S, N937S, N973S, N974S, N984S.
Identifiers: ClinVar variation 1051341 (VCV001051341.11), dbSNP rs2151432652, ClinGen allele CA394284267.

ClinVar aggregate classification (germline): Conflicting classifications of pathogenicity. Review status: criteria provided, conflicting classifications (1 of 4 stars). 2 submissions from 2 submitters: Uncertain significance (1); Likely benign (1). Last evaluated 2024-12-03.

Conditions:
Hereditary cancer-predisposing syndrome. Also called: Hereditary Cancer Syndrome; Tumor predisposition; Hereditary neoplastic syndrome; Neoplastic Syndromes, Hereditary. Identifiers: Orphanet 140162, MedGen C0027672, MeSH D009386, MONDO:0015356.
Tuberous sclerosis 2 (TSC2). Identifiers: Orphanet 805, MedGen C1860707, MONDO:0013199, OMIM 613254.

gnomAD v4.1: 1 of 1,609,808 alleles (0.000062%); highest among the groups gnomAD compares: Non-Finnish European, 0.000085%; no homozygotes.

Submissions (2):

Labcorp Genetics (formerly Invitae), Labcorp
Classification: Uncertain significance for Tuberous sclerosis 2. Last evaluated: 2024-12-03. Review status: criteria provided, single submitter. Criteria: Invitae Variant Classification Sherloc (09022015). Collection method: clinical testing. Allele origin: germline.
Comment: This sequence change replaces asparagine, which is neutral and polar, with serine, which is neutral and polar, at codon 1017 of the TSC2 protein (p.Asn1017Ser). This variant is not present in population databases (gnomAD no frequency). This variant has not been reported in the literature in individuals affected with TSC2-related conditions. ClinVar contains an entry for this variant (Variation ID: 1051341). Invitae Evidence Modeling of protein sequence and biophysical properties (such as structural, functional, and spatial information, amino acid conservation, physicochemical variation, residue mobility, and thermodynamic stability) indicates that this missense variant is not expected to disrupt TSC2 protein function with a negative predictive value of 95%. In summary, the available evidence is currently insufficient to determine the role of this variant in disease. Therefore, it has been classified as a Variant of Uncertain Significance.

Ambry Genetics
Classification: Likely benign for Hereditary cancer-predisposing syndrome. Last evaluated: 2021-11-04. Review status: criteria provided, single submitter. Criteria: Ambry Variant Classification Scheme 2023. Collection method: clinical testing. Allele origin: germline.